The following is an entry in ClinVar:

ClinVar aggregate classification (germline): Benign/Likely benign. Review status: criteria provided, multiple submitters, no conflicts (2 of 4 stars). 21 submissions from 14 submitters: Benign (15); Likely benign (3). 3 of the submissions do not count toward it. Last evaluated 2026-02-04.

Conditions:
Dilated cardiomyopathy 1G (CMD1G). Identifiers: Orphanet 154, MedGen C1858763, MONDO:0011400, OMIM 604145.
Autosomal recessive limb-girdle muscular dystrophy type 2J (LGMDR10). Also called: Limb-girdle muscular dystrophy, type 2J; MUSCULAR DYSTROPHY, LIMB-GIRDLE, AUTOSOMAL RECESSIVE 10. Identifiers: Orphanet 140922, MedGen C1837342, MONDO:0012127, OMIM 608807.
Early-onset myopathy with fatal cardiomyopathy (CMYO5). Also called: CONGENITAL MYOPATHY 5 WITH CARDIOMYOPATHY; Salih Myopathy. Identifiers: Orphanet 289377, MedGen C2673677, MONDO:0012714, OMIM 611705. Disease mechanism: loss of function.
Myopathy, myofibrillar, 9, with early respiratory failure (MFM9). Also called: MYOPATHY, PROXIMAL, WITH EARLY RESPIRATORY MUSCLE INVOLVEMENT; Myopathy, distal, with early respiratory failure, autosomal dominant; Hereditary myopathy with early respiratory failure; EDSTROM MYOPATHY. Identifiers: Orphanet 178464, Orphanet 34521, MedGen C1863599, MONDO:0011362, OMIM 603689.
Tibial muscular dystrophy (TMD). Also called: Tibial muscular dystrophy, tardive; UDD MYOPATHY; Udd Distal Myopathy – Tibial Muscular Dystrophy. Identifiers: Orphanet 609, MedGen C1838244, MONDO:0010870, OMIM 600334.

Allele frequency attached by ClinVar (database versions not stated): gnomAD exomes 0.00096 and 0.00276; ExAC 0.00350; gnomAD 0.01100 and 0.01171; TOPMed 0.01217; ESP Exome Variant Server 0.01246; 1000 Genomes Project 30x 0.01249; 1000 Genomes Project 0.01278.
gnomAD v4.1: 3,167 of 1,614,040 alleles (0.2%); highest among the groups gnomAD compares: African/African-American, 3.7%; 69 homozygotes.

Submissions (21):

Labcorp Genetics (formerly Invitae), Labcorp
Classification: Benign for Dilated cardiomyopathy 1G; Autosomal recessive limb-girdle muscular dystrophy type 2J. Last evaluated: 2026-02-04. Review status: criteria provided, single submitter. Criteria: Invitae Variant Classification Sherloc (09022015). Collection method: clinical testing. Allele origin: germline.

ARUP Laboratories, Molecular Genetics and Genomics, ARUP Laboratories
Classification: Benign. Last evaluated: 2025-07-01. Review status: criteria provided, single submitter. Criteria: ARUP Molecular Germline Variant Investigation Process 2024. Collection method: clinical testing. Allele origin: germline.

Molecular Diagnostic Laboratory for Inherited Cardiovascular Disease, Montreal Heart Institute
Classification: Likely benign. Last evaluated: 2025-04-09. Review status: criteria provided, single submitter. Criteria: ACMG Guidelines, 2015. Collection method: clinical testing. Allele origin: germline. Affected: no.

Athena Diagnostics
Classification: Benign. Last evaluated: 2025-02-21. Review status: criteria provided, single submitter. Criteria: Athena Diagnostics Criteria. Collection method: clinical testing. Allele origin: unknown.
Comment: The frequency of this variant in the general population is higher than would generally be expected for pathogenic variants in this gene.

Mayo Clinic Laboratories, Mayo Clinic
Classification: Benign. Last evaluated: 2021-10-27. Review status: criteria provided, single submitter. Criteria: ACMG Guidelines, 2015. Collection method: clinical testing. Allele origin: germline. Observed: 15 variant alleles.
Comment: BS1, BS2, BP4

Genome-Nilou Lab
Classification: Benign for Autosomal recessive limb-girdle muscular dystrophy type 2J. Last evaluated: 2021-09-10. Review status: criteria provided, single submitter. Criteria: ACMG Guidelines, 2015. Collection method: clinical testing. Allele origin: germline. Affected: no.

Genome-Nilou Lab
Classification: Benign for Myopathy, myofibrillar, 9, with early respiratory failure. Last evaluated: 2021-09-10. Review status: criteria provided, single submitter. Criteria: ACMG Guidelines, 2015. Collection method: clinical testing. Allele origin: germline. Affected: no.

Genome-Nilou Lab
Classification: Benign for Early-onset myopathy with fatal cardiomyopathy. Last evaluated: 2021-09-10. Review status: criteria provided, single submitter. Criteria: ACMG Guidelines, 2015. Collection method: clinical testing. Allele origin: germline. Affected: no.

Genome-Nilou Lab
Classification: Benign for Tibial muscular dystrophy. Last evaluated: 2021-09-10. Review status: criteria provided, single submitter. Criteria: ACMG Guidelines, 2015. Collection method: clinical testing. Allele origin: germline. Affected: no.

Women's Health and Genetics/Laboratory Corporation of America, LabCorp
Classification: Benign. Last evaluated: 2019-11-06. Review status: criteria provided, single submitter. Criteria: LabCorp Variant Classification Summary - May 2015. Collection method: clinical testing. Allele origin: germline.
Comment: Variant summary: TTN c.1398+8C>T alters a non-conserved nucleotide located close to a canonical splice site and therefore could affect mRNA splicing, leading to a significantly altered protein sequence. 5 computational tools predict that the variant does not affect the canonical splice site, while 2 predict that the variant creates an additional, weak intronic 5' donor site. However, these predictions have yet to be confirmed by functional studies. The variant allele was found at a frequency of 0.0028 in 251132 control chromosomes, predominantly at a frequency of 0.038 within the African or African-American subpopulation in the gnomAD database (exome dataset), including 20 homozygotes. The observed variant frequency within African or African-American control individuals in the gnomAD database is approximately 60-fold the estimated maximal expected allele frequency for a pathogenic variant in TTN causing Cardiomyopathy phenotype (0.00063), strongly suggesting that the variant is a benign polymorphism found primarily in populations of African or African-American origin. To our knowledge, no occurrence of c.1398+8C>T in individuals affected with Cardiomyopathy and no experimental evidence demonstrating its impact on protein function have been reported. Co-occurrence with another pathogenic variant has been reported (TTR c.424G>A, p.Val142Ile; internal sample), providing supporting evidence for a benign role. Three clinical diagnostic laboratories have submitted clinical-significance assessments for this variant to ClinVar after 2014 without evidence for independent evaluation. All laboratories classified the variant as benign/likely benign. Based on the evidence outlined above, the variant was classified as benign.

Illumina Laboratory Services, Illumina
Classification: Benign for Myopathy, myofibrillar, 9, with early respiratory failure. Last evaluated: 2018-01-12. Review status: criteria provided, single submitter. Criteria: ICSL Variant Classification Criteria 13 December 2019. Collection method: clinical testing. Allele origin: germline.
Comment: This variant was observed in the ICSL laboratory as part of a predisposition screen in an ostensibly healthy population. It had not been previously curated by ICSL or reported in the Human Gene Mutation Database (HGMD: prior to June 1st, 2018), and was therefore a candidate for classification through an automated scoring system. Utilizing variant allele frequency, disease prevalence and penetrance estimates, and inheritance mode, an automated score was calculated to assess if this variant is too frequent to cause the disease. Based on the score and internal cut-off values, a variant classified as benign is not then subjected to further curation. The score for this variant resulted in a classification of benign for this disease.

Illumina Laboratory Services, Illumina
Classification: Benign for Early-onset myopathy with fatal cardiomyopathy. Last evaluated: 2018-01-12. Review status: criteria provided, single submitter. Criteria: ICSL Variant Classification Criteria 13 December 2019. Collection method: clinical testing. Allele origin: germline.
Comment: the same text as in the submission from Illumina Laboratory Services, Illumina above.

Illumina Laboratory Services, Illumina
Classification: Likely benign for Autosomal recessive limb-girdle muscular dystrophy type 2J. Last evaluated: 2018-01-12. Review status: criteria provided, single submitter. Criteria: ICSL Variant Classification Criteria 13 December 2019. Collection method: clinical testing. Allele origin: germline.
Comment: This variant was observed in the ICSL laboratory as part of a predisposition screen in an ostensibly healthy population. It had not been previously curated by ICSL or reported in the Human Gene Mutation Database (HGMD: prior to June 1st, 2018), and was therefore a candidate for classification through an automated scoring system. Utilizing variant allele frequency, disease prevalence and penetrance estimates, and inheritance mode, an automated score was calculated to assess if this variant is too frequent to cause the disease. Based on the score and internal cut-off values, a variant classified as likely benign is not then subjected to further curation. The score for this variant resulted in a classification of likely benign for this disease.

Illumina Laboratory Services, Illumina
Classification: Benign for Tibial muscular dystrophy. Last evaluated: 2018-01-12. Review status: criteria provided, single submitter. Criteria: ICSL Variant Classification Criteria 13 December 2019. Collection method: clinical testing. Allele origin: germline.
Comment: the same text as in the submission from Illumina Laboratory Services, Illumina above.

Illumina Laboratory Services, Illumina
Classification: Likely benign for Dilated cardiomyopathy 1G. Last evaluated: 2018-01-12. Review status: criteria provided, single submitter. Criteria: ICSL Variant Classification Criteria 13 December 2019. Collection method: clinical testing. Allele origin: germline.
Comment: the same text as in the submission from Illumina Laboratory Services, Illumina above.

Genetic Services Laboratory, University of Chicago
Classification: Benign. Last evaluated: 2015-02-10. Review status: criteria provided, single submitter. Criteria: ACMG Guidelines, 2015. Collection method: clinical testing. Allele origin: germline.

GeneDx
Classification: Benign. Last evaluated: 2014-04-07. Review status: criteria provided, single submitter. Criteria: GeneDx Variant Classification (06012015). Collection method: clinical testing. Allele origin: germline. Affected: yes.
Comment: This variant is considered likely benign or benign based on one or more of the following criteria: it is a conservative change, it occurs at a poorly conserved position in the protein, it is predicted to be benign by multiple in silico algorithms, and/or has population frequency not consistent with disease.

Laboratory for Molecular Medicine, Mass General Brigham Personalized Medicine
Classification: Benign. Last evaluated: 2012-07-31. Review status: criteria provided, single submitter. Criteria: LMM Criteria. Collection method: clinical testing. Allele origin: germline. Observed: 19 variant alleles.

Clinical Genetics DNA and cytogenetics Diagnostics Lab, Erasmus MC, Erasmus Medical Center
Classification: Benign. Review status: no assertion criteria provided. Collection method: clinical testing. Allele origin: germline. Affected: yes. Study: VKGL Data-share Consensus. Not counted in ClinVar's aggregate classification.

Clinical Genetics, Academic Medical Center
Classification: Benign. Review status: no assertion criteria provided. Collection method: clinical testing. Allele origin: germline. Affected: yes. Study: VKGL Data-share Consensus. Not counted in ClinVar's aggregate classification.

Laboratory of Diagnostic Genome Analysis, Leiden University Medical Center (LUMC)
Classification: Likely benign. Review status: no assertion criteria provided. Collection method: clinical testing. Allele origin: germline. Affected: yes. Study: VKGL Data-share Consensus. Not counted in ClinVar's aggregate classification.

NM_001267550.2(TTN):c.1398+8C>T

Gene: TTN (titin; minus strand). Cytogenetic location: 2q31.2.
Variant type: single nucleotide variant.
Coding change: c.1398+8C>T on transcript NM_001267550.2 (MANE Select); 8 bases into the intron after coding-DNA position 1398, C replaced by T.
Molecular consequence: intron variant.
Genome position (GRCh38, 1-based): chr2:178,794,391, G>A on the plus strand (C>T on the coding strand, the complement: TTN is on the minus strand). VCF-style: chr2-178794391-G-A. GRCh37 (hg19) VCF-style: chr2-179659118-G-A.
Other names: p.?; c.1398+8C>T (NM_003319.4, NM_133437.4, NM_133432.3 and 4 more transcripts).
Identifiers: ClinVar variation 46629 (VCV000046629.35), dbSNP rs72647848, ClinGen allele CA282704.